The following is an entry in ClinVar:

NM_000038.6(APC):c.-19G>A

Gene: APC (APC regulator of WNT signaling pathway; plus strand). Cytogenetic location: 5q22.2.
Variant type: single nucleotide variant.
Coding change: c.-19G>A on transcript NM_000038.6 (MANE Select); 19 bases upstream of the start codon, G replaced by A.
Molecular consequence: 5 prime UTR variant. On other transcripts: intron variant (4).
Genome position (GRCh38, 1-based): chr5:112,737,925, G>A. VCF-style: chr5-112737925-G-A. GRCh37 (hg19) VCF-style: chr5-112073622-G-A.
Other names: c.-127G>A (NM_001127510.3); c.-19G>A (NM_001354896.2, NM_001354899.2, NM_001354903.2); c.-49G>A (NM_001354898.2, NM_001354904.2); c.-43G>A (NM_001354900.2, NM_001354901.2, NM_001354905.2); c.-1054G>A (NM_001354906.2); c.-18-16948G>A (NM_001354895.2); c.166-28401G>A (NM_001354897.2, NM_001354902.2, NM_001127511.3).
Identifiers: ClinVar variation 419357 (VCV000419357.2), dbSNP rs1064793813, ClinGen allele CA16618062.

ClinVar aggregate classification (germline): Uncertain significance (1 of 4 stars; one submission).

Allele frequency attached by ClinVar (database versions not stated): TOPMed 0.00001.

Submission:

GeneDx
Classification: Uncertain significance. Last evaluated: 2015-06-30. Review status: criteria provided, single submitter. Criteria: GeneDx Variant Classification (06012015). Collection method: clinical testing. Allele origin: germline. Affected: yes.
Comment: This variant is denoted APC c.-19G>A, and describes a nucleotide substitution 19 base pairs upstream of the ATG translational start site in the APC promoter region. The surrounding sequence, with the base that is substituted in braces, is atgg[g/a]gtag. This variant has not, to our knowledge, been published in the literature as pathogenic or benign. APC c.-19G>A does not appear to affect the start codon or the Kozak translational consensus sequence. However, multiple splicing models predict this variant to damage or destroy the natural donor site and possibly cause abnormal splicing. Based on current information, it is unclear whether APC c.-19G>A is a pathogenic variant or benign variant.